The following is an entry in ClinVar:

NM_000358.3(TGFBI):c.459+6A>G

Gene: TGFBI (transforming growth factor beta induced; plus strand). Cytogenetic location: 5q31.1.
Variant type: single nucleotide variant.
Coding change: c.459+6A>G on transcript NM_000358.3 (MANE Select); 6 bases into the intron after coding-DNA position 459, A replaced by G.
Molecular consequence: intron variant.
Genome position (GRCh38, 1-based): chr5:136,046,501, A>G. VCF-style: chr5-136046501-A-G. GRCh37 (hg19) VCF-style: chr5-135382190-A-G.
Identifiers: ClinVar variation 4533224 (VCV004533224.1).
Genomic context (GRCh38, chr5:136,046,501, plus strand): 5'-CGGCAGCTTCACCATCTTCGCCCCTAGCAACGAGGCCTGGGCCTCCTTGCCAGCTGTGAG[A>G]TGACCTCCGTCTGCCCGGGGGACTCTTATGGGGAACTGCCTTACTTCCCCGAGGGGTGGG-3'

ClinVar aggregate classification (germline): Uncertain significance (1 of 4 stars; one submission).

Conditions:
Lattice corneal dystrophy Type I (CDL1). Identifiers: Orphanet 98964, MedGen C1690006, MONDO:0007380, OMIM 122200.
Corneal dystrophy, lattice type 3A (CDL3A). Also called: Lattice corneal dystrophy type III A. Identifiers: Orphanet 98964, MedGen C1837974, MONDO:0012044, OMIM 608471.
Groenouw corneal dystrophy type I (CDGG1). Also called: GRANULAR CORNEAL DYSTROPHY, TYPE I. Identifiers: Orphanet 98962, MedGen C1641846, MONDO:0007377, OMIM 121900.
Reis-Bucklers' corneal dystrophy (CDRB). Also called: GRANULAR CORNEAL DYSTROPHY, TYPE III. Identifiers: Orphanet 98961, MedGen C0339278, MONDO:0012043, OMIM 608470.
Avellino corneal dystrophy (CDA). Also called: COMBINED GRANULAR-LATTICE CORNEAL DYSTROPHY; GRANULAR CORNEAL DYSTROPHY, TYPE II; Granular-lattice (Avellino) corneal dystrophy; Combined granular-lattice corneal dystrophies; Granular and lattice corneal dystrophies; Granular corneal dystrophy type 2. Identifiers: Orphanet 98963, MedGen C1275685, MONDO:0011855, OMIM 607541.
Epithelial basement membrane dystrophy. Also called: Map-dot-fingerprint corneal dystrophy; CORNEAL DYSTROPHY, EPITHELIAL BASEMENT MEMBRANE; CORNEAL DYSTROPHY, ANTERIOR BASEMENT MEMBRANE; CORNEAL DYSTROPHY, MICROCYSTIC; Corneal epithelial dystrophy; Microcystic dystrophy of the cornea. Identifiers: Orphanet 98956, MedGen C0521723, MONDO:0007375, OMIM 121820, HP:0007690.
Thiel-Behnke corneal dystrophy (CDTB). Also called: Corneal dystrophy honeycomb shaped; Corneal dystrophy of the Bowman layer type 2. Identifiers: Orphanet 98960, MedGen C1562894, MONDO:0011185, OMIM 602082.

Submission:

Juno Genomics, Hangzhou Juno Genomics, Inc
Classification: Uncertain significance for Avellino corneal dystrophy; Epithelial basement membrane dystrophy; Groenouw corneal dystrophy type I; Lattice corneal dystrophy Type I; Corneal dystrophy, lattice type 3A; Reis-Bucklers' corneal dystrophy; Thiel-Behnke corneal dystrophy. Review status: criteria provided, single submitter. Criteria: ACMG Guidelines, 2015. Collection method: clinical testing. Allele origin: germline. Affected: yes.
Comment: Absent from controls (or at extremely low frequency if recessive) in Genome Aggregation Database, Exome Sequencing Project, 1000 Genomes Project, or Exome Aggregation Consortium.;Multiple lines of computational evidence support a deleterious effect on the gene or gene product (conservation, evolutionary, splicing impact, etc).